The following is an entry in ClinVar:

ClinVar aggregate classification (germline): Uncertain significance. Review status: criteria provided, multiple submitters, no conflicts (2 of 4 stars). 4 submissions from 4 submitters: Uncertain significance (4). Last evaluated 2025-11-21.

Conditions:
Familial thoracic aortic aneurysm and aortic dissection (TAAD). Also called: Thoracic aortic aneurysms and dissections. Identifiers: Orphanet 91387, MedGen C4707243, MONDO:0019625.
Connective tissue disorder. Also called: Connective tissue disease. Identifiers: MedGen C0009782, MONDO:0003900.
Aortic aneurysm, familial thoracic 4 (AAT4). Also called: AORTIC ANEURYSM/AORTIC DISSECTION AND PATENT DUCTUS ARTERIOSUS. Identifiers: MedGen C1851504, MONDO:0007568, OMIM 132900.

Allele frequency attached by ClinVar (database versions not stated): gnomAD 0.00001; TOPMed 0.00001.
gnomAD v4.1: 2 of 1,614,042 alleles (0.00012%); highest among the groups gnomAD compares: Non-Finnish European, 0.00017%; no homozygotes.

Submissions (4):

Labcorp Genetics (formerly Invitae), Labcorp
Classification: Uncertain significance for Aortic aneurysm, familial thoracic 4. Last evaluated: 2025-11-21. Review status: criteria provided, single submitter. Criteria: Invitae Variant Classification Sherloc (09022015). Collection method: clinical testing. Allele origin: germline.
Comment: This sequence change replaces glutamic acid, which is acidic and polar, with valine, which is neutral and non-polar, at codon 1835 of the MYH11 protein (p.Glu1835Val). This variant is not present in population databases (gnomAD no frequency). This variant has not been reported in the literature in individuals affected with MYH11-related conditions. ClinVar contains an entry for this variant (Variation ID: 561303). Invitae Evidence Modeling of protein sequence and biophysical properties (such as structural, functional, and spatial information, amino acid conservation, physicochemical variation, residue mobility, and thermodynamic stability) indicates that this missense variant is not expected to disrupt MYH11 protein function with a negative predictive value of 95%. In summary, the available evidence is currently insufficient to determine the role of this variant in disease. Therefore, it has been classified as a Variant of Uncertain Significance.

Color Diagnostics, LLC DBA Color Health
Classification: Uncertain significance for Familial thoracic aortic aneurysm and aortic dissection. Last evaluated: 2024-03-06. Review status: criteria provided, single submitter. Criteria: ACMG Guidelines, 2015. Collection method: clinical testing. Allele origin: germline.
Comment: This missense variant replaces glutamic acid with valine at codon 1835 of the MYH11 protein. Computational prediction is inconclusive regarding the impact of this variant on protein structure and function (internally defined REVEL score threshold 0.5 < inconclusive < 0.7, PMID: 27666373). To our knowledge, functional studies have not been reported for this variant. This variant has not been reported in individuals affected with cardiovascular disorders in the literature. This variant has not been identified in the general population by the Genome Aggregation Database (gnomAD). The available evidence is insufficient to determine the role of this variant in disease conclusively. Therefore, this variant is classified as a Variant of Uncertain Significance.

All of Us Research Program, National Institutes of Health
Classification: Uncertain significance for Familial thoracic aortic aneurysm and aortic dissection. Last evaluated: 2022-12-02. Review status: criteria provided, single submitter. Criteria: ACMG Guidelines, 2015. Collection method: clinical testing. Allele origin: germline. Inheritance: Autosomal dominant inheritance. Observed: 1 variant allele, 1 heterozygote.
Comment: This missense variant replaces glutamic acid with valine at codon 1835 of the MYH11 protein. Computational prediction is inconclusive regarding the impact of this variant on protein structure and function (internally defined REVEL score threshold 0.5 < inconclusive < 0.7, PMID: 27666373). To our knowledge, functional studies have not been reported for this variant. This variant has not been reported in individuals affected with cardiovascular disorders in the literature. This variant has not been identified in the general population by the Genome Aggregation Database (gnomAD). The available evidence is insufficient to determine the role of this variant in disease conclusively. Therefore, this variant is classified as a Variant of Uncertain Significance.

This study involves interpretation of variants in research participants for the purpose of population health screening. Participant phenotype was not available at the time of variant classification. Additional details can be found in publication PMID: 35346344, PMCID: PMC8962531

Center for Human Genetics, Inc
Classification: Uncertain significance for Connective tissue disorder. Last evaluated: 2018-06-01. Review status: criteria provided, single submitter. Criteria: ACMG Guidelines, 2015. Collection method: clinical testing. Allele origin: germline. Affected: yes.

NM_002474.3(MYH11):c.5483A>T (p.Glu1828Val)

Genes: NDE1 (nudE neurodevelopment protein 1; plus strand), MYH11 (myosin heavy chain 11; minus strand). Cytogenetic location: 16p13.11.
Variant type: single nucleotide variant.
Coding change: c.5483A>T on transcript NM_002474.3 (MANE Select); coding-DNA position 5483, A replaced by T.
Protein change: p.Glu1828Val; replaces glutamic acid 1828 with valine.
Molecular consequence: missense variant. On other transcripts: intron variant (2).
Genome position (GRCh38, 1-based): chr16:15,717,161, T>A on the plus strand (A>T on the coding strand, the complement: MYH11 is on the minus strand). VCF-style: chr16-15717161-T-A. GRCh37 (hg19) VCF-style: chr16-15811018-T-A.
Other names: c.948-7030T>A (NM_017668.3, NM_001143979.2); c.5504A>T, p.Glu1835Val (NM_001040113.2, NM_001040114.2); c.5483A>T, p.Glu1828Val (NM_022844.3); short protein forms E1835V, E1828V.
Identifiers: ClinVar variation 561303 (VCV000561303.7), dbSNP rs1365841164, ClinGen allele CA394848801.